The following is an entry in ClinVar:

NM_001453.3(FOXC1):c.1452C>G (p.His484Gln)

Gene: FOXC1 (forkhead box C1; plus strand). Cytogenetic location: 6p25.3.
Variant type: single nucleotide variant.
Coding change: c.1452C>G on transcript NM_001453.3 (MANE Select); coding-DNA position 1452, C replaced by G.
Protein change: p.His484Gln; replaces histidine 484 with glutamine.
Molecular consequence: missense variant.
Genome position (GRCh38, 1-based): chr6:1,611,897, C>G. VCF-style: chr6-1611897-C-G. GRCh37 (hg19) VCF-style: chr6-1612132-C-G.
Other names: short protein forms H484Q.
Identifiers: ClinVar variation 4705754 (VCV004705754.1).

ClinVar aggregate classification (germline): Uncertain significance (1 of 4 stars; one submission).

Conditions:
Axenfeld-Rieger syndrome type 3 (RIEG3). Also called: AXENFELD-RIEGER ANOMALY WITH CARDIAC DEFECTS AND/OR SENSORINEURAL HEARING LOSS. Identifiers: Orphanet 782, MedGen C2678503, MONDO:0011233, OMIM 602482.

gnomAD v4.1: 6 of 1,538,682 alleles (0.00039%); highest among the groups gnomAD compares: East Asian, 0.01%; no homozygotes.

Submission:

Labcorp Genetics (formerly Invitae), Labcorp
Classification: Uncertain significance for Axenfeld-Rieger syndrome type 3. Last evaluated: 2025-03-27. Review status: criteria provided, single submitter. Criteria: Invitae Variant Classification Sherloc (09022015). Collection method: clinical testing. Allele origin: germline.
Comment: This sequence change replaces histidine, which is basic and polar, with glutamine, which is neutral and polar, at codon 484 of the FOXC1 protein (p.His484Gln). This variant is present in population databases (no rsID available, gnomAD 0.004%). This variant has not been reported in the literature in individuals affected with FOXC1-related conditions. An algorithm developed to predict the effect of missense changes on protein structure and function (PolyPhen-2) suggests that this variant is likely to be disruptive. In summary, the available evidence is currently insufficient to determine the role of this variant in disease. Therefore, it has been classified as a Variant of Uncertain Significance.